The following is an entry in ClinVar:

ClinVar aggregate classification (germline): Pathogenic (1 of 4 stars; one submission).

Conditions:
Pheochromocytoma. Also called: MAX-Related Hereditary Paraganglioma-Pheochromocytoma Syndrome. Identifiers: Orphanet 29072, MedGen C0031511, MONDO:0008233, OMIM 171300, HP:0002666.
Carney-Stratakis syndrome. Also called: PARAGANGLIOMA AND GASTROINTESTINAL STROMAL TUMOR. Identifiers: Orphanet 97286, MedGen C1847319, MONDO:0011740, OMIM 606864.
Paragangliomas with sensorineural hearing loss. Identifiers: MedGen C1868633.
Cowden syndrome 3 (CWS3). Identifiers: Orphanet 201, MedGen CN166604, MONDO:0014045.
Pheochromocytoma/paraganglioma syndrome 1. Also called: SDHD-Related Hereditary Paraganglioma-Pheochromocytoma Syndrome; Paragangliomas 1; Glomus tumors familial 1; Paraganglioma - glomus jugulare; PARAGANGLIOMAS, FAMILIAL NONCHROMAFFIN, 1; PGL 1. Identifiers: Orphanet 29072, MedGen C3494181, MONDO:0008192, OMIM 168000.

Submission:

Labcorp Genetics (formerly Invitae), Labcorp
Classification: Pathogenic for Carney-Stratakis syndrome; Paragangliomas with sensorineural hearing loss; Pheochromocytoma; Cowden syndrome 3. Last evaluated: 2022-01-15. Review status: criteria provided, single submitter. Criteria: Invitae Variant Classification Sherloc (09022015). Collection method: clinical testing. Allele origin: germline.
Comment: This variant has not been reported in the literature in individuals affected with SDHD-related conditions. For these reasons, this variant has been classified as Pathogenic. This sequence change creates a premature translational stop signal (p.Cys88*) in the SDHD gene. It is expected to result in an absent or disrupted protein product. Loss-of-function variants in SDHD are known to be pathogenic (PMID: 19454582, 19802898). This variant is not present in population databases (gnomAD no frequency).

Literature cited by the submitters: PubMed 19454582 (cited by Labcorp Genetics (formerly Invitae), Labcorp); PubMed 19802898 (cited by Labcorp Genetics (formerly Invitae), Labcorp).

NM_003002.4(SDHD):c.264C>A (p.Cys88Ter)

Gene: SDHD (succinate dehydrogenase complex subunit D; plus strand). Cytogenetic location: 11q23.1.
Variant type: single nucleotide variant.
Coding change: c.264C>A on transcript NM_003002.4 (MANE Select); coding-DNA position 264, C replaced by A.
Protein change: p.Cys88Ter; replaces cysteine 88 with a stop codon.
Molecular consequence: nonsense. On other transcripts: non-coding transcript variant (1), intron variant (1).
Genome position (GRCh38, 1-based): chr11:112,088,961, C>A. VCF-style: chr11-112088961-C-A. GRCh37 (hg19) VCF-style: chr11-111959685-C-A.
Other names: c.264C>A (NM_003002.3); c.147C>A, p.Cys49Ter (NM_001276504.2); c.264C>A, p.Cys88Ter (NM_001276506.2); c.169+988C>A (NM_001276503.2); short protein forms C88*, C49*.
Identifiers: ClinVar variation 2084230 (VCV002084230.5), dbSNP rs761615413, ClinGen allele CA382617339.